The following is an entry in ClinVar:

NM_015443.4(KANSL1):c.1738G>T (p.Val580Phe)

Gene: KANSL1 (KAT8 regulatory NSL complex subunit 1). Cytogenetic location: 17q21.31.
Variant type: single nucleotide variant.
Coding change: c.1738G>T on transcript NM_015443.4 (MANE Select); coding-DNA position 1738, G replaced by T.
Protein change: p.Val580Phe; replaces valine 580 with phenylalanine.
Molecular consequence: missense variant.
Genome position (GRCh38, 1-based): chr17:46,066,647, C>A on the plus strand (G>T on the coding strand, the complement: KANSL1 is on the minus strand). VCF-style: chr17-46066647-C-A. GRCh37 (hg19) VCF-style: chr17-44144013-C-A.
Other names: c.1738G>T, p.Val580Phe (NM_001193465.2, NM_001193466.2, NM_001379198.1 and 14 more transcripts); c.1636G>T, p.Val546Phe (NM_001405859.1, NM_001405860.1, NM_001405861.1 and 1 more transcripts); c.472G>T, p.Val158Phe (NM_001405882.1, NM_001405883.1, NM_001405884.1 and 1 more transcripts); short protein forms V580F, V158F, V546F.
Identifiers: ClinVar variation 2717688 (VCV002717688.3), dbSNP rs117412152, ClinGen allele CA399986704.
Genomic context (GRCh38, chr17:46,066,647, plus strand): 5'-TACAGCTCAGTACAGGACGTGTCCGGGCTGCCACACAGGTGCCATCAGATGATGAAGAGA[C>A]GAGATTCAGTCGTTGCTTCTTATGTAATTGTTCCTCAGCATCAGAGCTGTCACCTGGAAT-3'
Protein context (NP_056258.1, residues 570-590): QLHKKQRLNL[Val580Phe]SSSSDGTCVA

ClinVar aggregate classification (germline): Uncertain significance (1 of 4 stars; one submission).

Conditions:
Koolen-de Vries syndrome (KDVS). Identifiers: Orphanet 96169, MedGen C1864871, MONDO:0012496, OMIM 610443.

gnomAD v4.1: 2 of 1,614,148 alleles (0.00012%); highest among the groups gnomAD compares: Non-Finnish European, 0.00017%; no homozygotes.

Submission:

Labcorp Genetics (formerly Invitae), Labcorp
Classification: Uncertain significance for Koolen-de Vries syndrome. Last evaluated: 2023-06-16. Review status: criteria provided, single submitter. Criteria: Invitae Variant Classification Sherloc (09022015). Collection method: clinical testing. Allele origin: germline.
Comment: In summary, the available evidence is currently insufficient to determine the role of this variant in disease. Therefore, it has been classified as a Variant of Uncertain Significance. Advanced modeling of protein sequence and biophysical properties (such as structural, functional, and spatial information, amino acid conservation, physicochemical variation, residue mobility, and thermodynamic stability) performed at Invitae indicates that this missense variant is not expected to disrupt KANSL1 protein function. This variant has not been reported in the literature in individuals affected with KANSL1-related conditions. This variant is not present in population databases (gnomAD no frequency). This sequence change replaces valine, which is neutral and non-polar, with phenylalanine, which is neutral and non-polar, at codon 580 of the KANSL1 protein (p.Val580Phe).